The following is an entry in ClinVar:

NM_000260.4(MYO7A):c.1655A>G (p.Asn552Ser)

Gene: MYO7A (myosin VIIA; plus strand). Cytogenetic location: 11q13.5.
Variant type: single nucleotide variant.
Coding change: c.1655A>G on transcript NM_000260.4 (MANE Select); coding-DNA position 1655, A replaced by G.
Protein change: p.Asn552Ser; replaces asparagine 552 with serine.
Molecular consequence: missense variant.
Genome position (GRCh38, 1-based): chr11:77,162,953, A>G. VCF-style: chr11-77162953-A-G. GRCh37 (hg19) VCF-style: chr11-76873999-A-G.
Other names: c.1655A>G, p.Asn552Ser (NM_001127180.2); c.1622A>G, p.Asn541Ser (NM_001369365.1); short protein forms N552S, N541S.
Identifiers: ClinVar variation 939096 (VCV000939096.14), dbSNP rs782043663, ClinGen allele CA6197545.

ClinVar aggregate classification (germline): Uncertain significance. Review status: criteria provided, multiple submitters, no conflicts (2 of 4 stars). 4 submissions from 4 submitters: Uncertain significance (3). 1 of the submissions does not count toward it. Last evaluated 2026-10-19.

Conditions:
Usher syndrome type 1B (USH1B). Also called: Usher syndrome type IB. Identifiers: MedGen C1848638, MONDO:0700087.

Allele frequency attached by ClinVar (database versions not stated): TOPMed 0.00005; ExAC 0.00002.
gnomAD v4.1: 45 of 1,613,722 alleles (0.0028%); highest among the groups gnomAD compares: African/African-American, 0.0053%; no homozygotes.

Submissions (4):

GeneDx
Classification: Uncertain significance. Last evaluated: 2026-10-19. Review status: criteria provided, single submitter. Criteria: GeneDx Variant Classification Process June 2021. Collection method: clinical testing. Allele origin: germline.
Comment: In silico analysis suggests that this missense variant does not alter protein structure/function; Has not been previously published as pathogenic or benign to our knowledge

Labcorp Genetics (formerly Invitae), Labcorp
Classification: Uncertain significance. Last evaluated: 2025-09-14. Review status: criteria provided, single submitter. Criteria: Invitae Variant Classification Sherloc (09022015). Collection method: clinical testing. Allele origin: germline.
Comment: This sequence change replaces asparagine, which is neutral and polar, with serine, which is neutral and polar, at codon 552 of the MYO7A protein (p.Asn552Ser). This variant is present in population databases (rs782043663, gnomAD 0.004%). This variant has not been reported in the literature in individuals affected with MYO7A-related conditions. ClinVar contains an entry for this variant (Variation ID: 939096). Invitae Evidence Modeling of protein sequence and biophysical properties (such as structural, functional, and spatial information, amino acid conservation, physicochemical variation, residue mobility, and thermodynamic stability) indicates that this missense variant is not expected to disrupt MYO7A protein function with a negative predictive value of 95%. In summary, the available evidence is currently insufficient to determine the role of this variant in disease. Therefore, it has been classified as a Variant of Uncertain Significance.

Revvity Omics, Revvity
Classification: Uncertain significance. Last evaluated: 2022-06-06. Review status: criteria provided, single submitter. Criteria: ACMG Guidelines, 2015. Collection method: clinical testing. Allele origin: germline.

Natera, Inc.
Classification: Uncertain significance for Usher syndrome type 1B. Last evaluated: 2020-06-24. Review status: no assertion criteria provided. Collection method: clinical testing. Allele origin: germline. Not counted in ClinVar's aggregate classification.